The following is an entry in ClinVar:

ClinVar aggregate classification (germline): Uncertain significance (1 of 4 stars; one submission).

Conditions:
Very long chain acyl-CoA dehydrogenase deficiency (ACADVLD). Also called: VLCAD Deficiency; Very Long-Chain Acyl-Coenzyme A Dehydrogenase Deficiency. Identifiers: Orphanet 26793, MedGen C3887523, MONDO:0008723, OMIM 201475.

Submission:

Labcorp Genetics (formerly Invitae), Labcorp
Classification: Uncertain significance for Very long chain acyl-CoA dehydrogenase deficiency. Last evaluated: 2021-08-14. Review status: criteria provided, single submitter. Criteria: Invitae Variant Classification Sherloc (09022015). Collection method: clinical testing. Allele origin: germline.
Comment: This sequence change replaces alanine with aspartic acid at codon 4 of the ACADVL protein (p.Ala4Asp). The alanine residue is moderately conserved and there is a moderate physicochemical difference between alanine and aspartic acid. This variant is not present in population databases (ExAC no frequency). This variant has not been reported in the literature in individuals affected with ACADVL-related conditions. Algorithms developed to predict the effect of missense changes on protein structure and function are either unavailable or do not agree on the potential impact of this missense change (SIFT: "Deleterious"; PolyPhen-2: "Not Available"; Align-GVGD: "Class C0"). In summary, the available evidence is currently insufficient to determine the role of this variant in disease. Therefore, it has been classified as a Variant of Uncertain Significance.

NM_000018.4(ACADVL):c.11C>A (p.Ala4Asp)

Genes: ACADVL (acyl-CoA dehydrogenase very long chain; plus strand), DLG4 (discs large MAGUK scaffold protein 4; minus strand). Cytogenetic location: 17p13.1.
Variant type: single nucleotide variant.
Coding change: c.11C>A on transcript NM_000018.4 (MANE Select); coding-DNA position 11, C replaced by A.
Protein change: p.Ala4Asp; replaces alanine 4 with aspartic acid.
Molecular consequence: missense variant. On other transcripts: 5 prime UTR variant (2), non-coding transcript variant (1), intron variant (1).
Genome position (GRCh38, 1-based): chr17:7,219,995, C>A. VCF-style: chr17-7219995-C-A. GRCh37 (hg19) VCF-style: chr17-7123314-C-A.
Other names: c.-1146G>T (NM_001321074.1); c.11C>A, p.Ala4Asp (NM_001033859.3); c.-293C>A (NM_001270448.2); c.132-127C>A (NM_001270447.2); short protein forms A4D.
Identifiers: ClinVar variation 1369951 (VCV001369951.6), dbSNP rs1019684161, ClinGen allele CA397721912.
Genomic context (GRCh38, chr17:7,219,995, plus strand): 5'-GCCAGAGCTGGGTCAGAGCTCGAGCCAGCGGCGCCCGGAGAGATTCGGAGATGCAGGCGG[C>A]TCGGATGGCCGCGAGCTTGGGGCGGCAGCTGCTGAGGCTCGGGGGCGGAAGGTCTGTGTG-3'
Protein context (NP_000009.1, residues 1-14): MQA[Ala4Asp]RMAASLGRQL